The following is an entry in ClinVar:

ClinVar aggregate classification (germline): Uncertain significance. Review status: criteria provided, multiple submitters, no conflicts (2 of 4 stars). 5 submissions from 5 submitters: Uncertain significance (5). Last evaluated 2025-08-30.

Conditions:
TTC21B-related disorder. Also called: TTC21B-related condition; TTC21B-related disorders.
Nephronophthisis. Also called: Juvenile Nephronophthisis. Identifiers: Orphanet 655, MedGen C0687120, MONDO:0019005, HP:0000090.
Jeune thoracic dystrophy. Also called: Infantile thoracic dystrophy; Thoracic pelvic phalangeal dystrophy; Jeune's syndrome; Chondroectodermal dysplasia-like syndrome; Jeune syndrome; Short-rib thoracic dysplasia. Identifiers: Orphanet 474, MedGen C0265275, MONDO:0018770.
Asphyxiating thoracic dystrophy 4 (SRTD4). Also called: SHORT-RIB THORACIC DYSPLASIA 4 WITH OR WITHOUT POLYDACTYLY; SHORT-RIB THORACIC DYSPLASIA 4. Identifiers: Orphanet 474, MedGen C3151185, MONDO:0013441, OMIM 613819.
Nephronophthisis 12 (NPHP12). Identifiers: Orphanet 655, MedGen C3151186, MONDO:0013442, OMIM 613820.

Allele frequency attached by ClinVar (database versions not stated): 1000 Genomes Project 0.00020; ESP Exome Variant Server 0.00008; TOPMed 0.00008; 1000 Genomes Project 30x 0.00016.
gnomAD v4.1: 166 of 1,612,052 alleles (0.01%); highest among the groups gnomAD compares: Middle Eastern, 0.05%; no homozygotes.

Submissions (5):

PreventionGenetics, part of Exact Sciences
Classification: Uncertain significance for TTC21B-related condition. Last evaluated: 2025-08-30. Review status: criteria provided, single submitter. Criteria: ACMG Guidelines, 2015. Collection method: clinical testing. Allele origin: germline.
Comment: The TTC21B c.1231C>G variant is predicted to result in the amino acid substitution p.Arg411Gly. This variant has been reported in an individual with Bardet-Biedl syndrome who also had a homozygous frameshift variant in BBS7 (Davis et al. 2011. PubMed ID: 21258341). Functional analysis of this variant indicated this variant may be a hypomorphic allele (Davis et al. 2011. PubMed ID: 21258341). This variant is reported in 0.018% of alleles in individuals of European (Non-Finnish) descent in gnomAD. At this time, the clinical significance of this variant is uncertain due to the absence of conclusive functional and genetic evidence.

Blueprint Genetics
Classification: Uncertain significance. Last evaluated: 2024-03-04. Review status: criteria provided, single submitter. Criteria: ACMG Guidelines, 2015. Collection method: clinical testing. Allele origin: germline.

Labcorp Genetics (formerly Invitae), Labcorp
Classification: Uncertain significance for Jeune thoracic dystrophy; Nephronophthisis. Last evaluated: 2022-10-13. Review status: criteria provided, single submitter. Criteria: Invitae Variant Classification Sherloc (09022015). Collection method: clinical testing. Allele origin: germline.
Comment: This sequence change replaces arginine, which is basic and polar, with glycine, which is neutral and non-polar, at codon 411 of the TTC21B protein (p.Arg411Gly). This variant is present in population databases (rs185089786, gnomAD 0.02%). This variant has not been reported in the literature in individuals affected with TTC21B-related conditions. ClinVar contains an entry for this variant (Variation ID: 449539). Advanced modeling of protein sequence and biophysical properties (such as structural, functional, and spatial information, amino acid conservation, physicochemical variation, residue mobility, and thermodynamic stability) performed at Invitae indicates that this missense variant is not expected to disrupt TTC21B protein function. Experimental studies have shown that this missense change affects TTC21B function (PMID: 21258341). In summary, the available evidence is currently insufficient to determine the role of this variant in disease. Therefore, it has been classified as a Variant of Uncertain Significance.

GeneDx
Classification: Uncertain significance. Last evaluated: 2022-10-10. Review status: criteria provided, single submitter. Criteria: GeneDx Variant Classification Process June 2021. Collection method: clinical testing. Allele origin: germline. Affected: yes.
Comment: In silico analysis supports that this missense variant does not alter protein structure/function; Has not been previously published as pathogenic or benign to our knowledge; This variant is associated with the following publications: (PMID: 21258341)

Fulgent Genetics
Classification: Uncertain significance for Asphyxiating thoracic dystrophy 4; Nephronophthisis 12. Last evaluated: 2022-02-23. Review status: criteria provided, single submitter. Criteria: ACMG Guidelines, 2015. Collection method: clinical testing. Allele origin: unknown.

Literature cited by the submitters: PubMed 21258341 (cited by Labcorp Genetics (formerly Invitae), Labcorp).

NM_024753.5(TTC21B):c.1231C>G (p.Arg411Gly)

Gene: TTC21B (tetratricopeptide repeat domain 21B; minus strand). Cytogenetic location: 2q24.3.
Variant type: single nucleotide variant.
Coding change: c.1231C>G on transcript NM_024753.5 (MANE Select); coding-DNA position 1231, C replaced by G.
Protein change: p.Arg411Gly; replaces arginine 411 with glycine.
Molecular consequence: missense variant.
Genome position (GRCh38, 1-based): chr2:165,929,290, G>C on the plus strand (C>G on the coding strand, the complement: TTC21B is on the minus strand). VCF-style: chr2-165929290-G-C. GRCh37 (hg19) VCF-style: chr2-166785800-G-C.
Other names: short protein forms R411G.
Identifiers: ClinVar variation 449539 (VCV000449539.11), dbSNP rs185089786, ClinGen allele CA1942192.